The following is an entry in ClinVar:

ClinVar aggregate classification (germline): Uncertain significance. Review status: criteria provided, multiple submitters, no conflicts (2 of 4 stars). 2 submissions from 2 submitters: Uncertain significance (2). Last evaluated 2023-05-31.

Conditions:
Cardiomyopathy (CMYO). Also called: Cardiomyopathies. Identifiers: Orphanet 167848, MedGen C0878544, MONDO:0004994, HP:0001638. Inheritance: Various modes of inheritance.
Hypertrophic cardiomyopathy. Also called: HYPERTROPHIC MYOCARDIOPATHY. Identifiers: Orphanet 217569, MedGen C0007194, MeSH D002312, MONDO:0005045, HP:0001639.

Submissions (2):

All of Us Research Program, National Institutes of Health
Classification: Uncertain significance for Cardiomyopathy. Last evaluated: 2023-05-31. Review status: criteria provided, single submitter. Criteria: ACMG Guidelines, 2015. Collection method: clinical testing. Allele origin: germline. Inheritance: Autosomal dominant inheritance. Observed: 1 variant allele, 1 heterozygote.
Comment: This study involves interpretation of variants in research participants for the purpose of population health screening. Participant phenotype was not available at the time of variant classification. Additional details can be found in publication PMID: 35346344, PMCID: PMC8962531

Labcorp Genetics (formerly Invitae), Labcorp
Classification: Uncertain significance for Hypertrophic cardiomyopathy. Last evaluated: 2020-03-19. Review status: criteria provided, single submitter. Criteria: Invitae Variant Classification Sherloc (09022015). Collection method: clinical testing. Allele origin: germline.
Comment: This sequence change creates a premature translational stop signal (p.Leu804Argfs*10) in the MYH7 gene. It is expected to result in an absent or disrupted protein product. This variant is not present in population databases (ExAC no frequency). This variant has not been reported in the literature in individuals with MYH7-related conditions. The current clinical and genetic evidence is not sufficient to establish whether loss-of-function variants in MYH7 cause disease. In summary, the available evidence is currently insufficient to determine the role of this variant in disease. Therefore, it has been classified as a Variant of Uncertain Significance.

NM_000257.4(MYH7):c.2411del (p.Leu804fs)

Genes: MYH7 (myosin heavy chain 7; minus strand), LOC126861898 (BRD4-independent group 4 enhancer GRCh37_chr14:23893609-23894808; plus strand). Cytogenetic location: 14q11.2.
Variant type: Deletion.
Coding change: c.2411del on transcript NM_000257.4 (MANE Select); coding-DNA position 2411, one base deleted (T; older notation c.2411delT).
Protein change: p.Leu804fs; shifts the reading frame from leucine 804.
Molecular consequence: frameshift variant.
Genome position (GRCh38, 1-based): chr14:23,425,294, A deleted on the plus strand (T on the coding strand, the reverse complement: MYH7 is on the minus strand). VCF-style (leftmost placement, unchanged base first): chr14-23425293-CA-C. GRCh37 (hg19) VCF-style: chr14-23894502-CA-C.
Other names: short protein forms L804fs.
Identifiers: ClinVar variation 1005571 (VCV001005571.8), dbSNP rs1892649223, ClinGen allele CA2123457309.